The following is an entry in ClinVar:

ClinVar aggregate classification (germline): Uncertain significance (1 of 4 stars; one submission).

Submission:

GeneDx
Classification: Uncertain significance. Last evaluated: 2019-03-27. Review status: criteria provided, single submitter. Criteria: GeneDx Variant Classification Process June 2021. Collection method: clinical testing. Allele origin: germline. Affected: yes.
Comment: Not observed in large population cohorts (Lek et al., 2016); In silico analysis, which includes protein predictors and evolutionary conservation, supports a deleterious effect; Has not been previously published as pathogenic or benign to our knowledge; Variants in candidate genes are classified as variants of uncertain significance in accordance with ACMG guidelines (Richards et al., 2015)

NM_022101.4(STEEP1):c.485T>C (p.Ile162Thr)

Gene: STEEP1 (STING1 ER exit protein 1; minus strand). Cytogenetic location: Xq24.
Variant type: single nucleotide variant.
Coding change: c.485T>C on transcript NM_022101.4 (MANE Select); coding-DNA position 485, T replaced by C.
Protein change: p.Ile162Thr; replaces isoleucine 162 with threonine.
Molecular consequence: missense variant.
Genome position (GRCh38, 1-based): chrX:119,542,533, A>G on the plus strand (T>C on the coding strand, the complement: STEEP1 is on the minus strand). VCF-style: chrX-119542533-A-G. GRCh37 (hg19) VCF-style: chrX-118676496-A-G.
Other names: c.338T>C, p.Ile113Thr (NM_001170569.1); c.443T>C, p.Ile148Thr (NM_001170570.2); short protein forms I113T, I148T, I162T.
Identifiers: ClinVar variation 1308371 (VCV001308371.2), dbSNP rs2147345732, ClinGen allele CA414371825.